The following is an entry in ClinVar:

ClinVar aggregate classification (germline): Likely benign. Review status: criteria provided, single submitter (1 of 4 stars). 2 submissions from 2 submitters: Likely benign (1). 1 of the submissions does not count toward it. Last evaluated 2025-10-19.

Conditions:
Ehlers-Danlos syndrome, classic type, 1 (EDSCL1). Also called: EDS I; EHLERS-DANLOS SYNDROME, GRAVIS TYPE; EHLERS-DANLOS SYNDROME, SEVERE CLASSIC TYPE; Ehlers-Danlos Syndrome, Classic Type, COL5A1-Related; Ehlers-Danlos syndrome, type 1. Identifiers: MedGen C0268335, MONDO:0019567, OMIM 130000.
COL5A1-related disorder. Also called: COL5A1-related condition.

Allele frequency attached by ClinVar (database versions not stated): gnomAD exomes below 0.00001.
gnomAD v4.1: 2 of 1,613,980 alleles (0.00012%); highest among the groups gnomAD compares: Non-Finnish European, 0.00017%; no homozygotes.

Submissions (2):

Labcorp Genetics (formerly Invitae), Labcorp
Classification: Likely benign for Ehlers-Danlos syndrome, classic type, 1. Last evaluated: 2025-10-19. Review status: criteria provided, single submitter. Criteria: Invitae Variant Classification Sherloc (09022015). Collection method: clinical testing. Allele origin: germline.

PreventionGenetics, part of Exact Sciences
Classification: Likely benign for COL5A1-related condition. Last evaluated: 2022-07-25. Review status: no assertion criteria provided. Collection method: clinical testing. Allele origin: germline. Not counted in ClinVar's aggregate classification.
Comment: This variant is classified as likely benign based on ACMG/AMP sequence variant interpretation guidelines (Richards et al. 2015 PMID: 25741868, with internal and published modifications).

NM_000093.5(COL5A1):c.780T>C (p.Asp260=)

Gene: COL5A1 (collagen type V alpha 1 chain; plus strand). Cytogenetic location: 9q34.3.
Variant type: single nucleotide variant.
Coding change: c.780T>C on transcript NM_000093.5 (MANE Select); coding-DNA position 780, T replaced by C.
Protein change: p.Asp260=; no amino-acid change (aspartic acid 260 retained).
Molecular consequence: synonymous variant.
Genome position (GRCh38, 1-based): chr9:134,727,391, T>C. VCF-style: chr9-134727391-T-C. GRCh37 (hg19) VCF-style: chr9-137619237-T-C.
Other names: c.780T>C, p.Asp260= (NM_001278074.1).
Identifiers: ClinVar variation 730109 (VCV000730109.10), dbSNP rs1588476059, ClinGen allele CA467662695.